The following is an entry in ClinVar:

ClinVar aggregate classification (germline): Uncertain significance (1 of 4 stars; one submission).

Conditions:
Retinitis pigmentosa sine pigmento with macular involvement.

gnomAD v4.1: 3 of 1,595,430 alleles (0.00019%); highest among the groups gnomAD compares: South Asian, 0.0011%; no homozygotes.

Submission:

Lab De Baere, Eye and Developmental Genetics Lab, Ghent University
Classification: Uncertain significance for Retinitis pigmentosa sine pigmento with macular involvement. Last evaluated: 2024-10-01. Review status: criteria provided, single submitter. Criteria: ACMG Guidelines, 2015. Collection method: research. Allele origin: inherited. Affected: yes. Observed: 1 variant allele.
Comment: ACMG/AMP guidelines: PM2, BP4, PP1, PM3_PP

NM_001349884.2(DRAM2):c.132-6T>C

Gene: DRAM2 (DNA damage regulated autophagy modulator 2; minus strand). Cytogenetic location: 1p13.3.
Variant type: single nucleotide variant.
Coding change: c.132-6T>C on transcript NM_001349884.2 (MANE Select); 6 bases into the intron before coding-DNA position 132, T replaced by C.
Molecular consequence: intron variant.
Genome position (GRCh38, 1-based): chr1:111,126,300, A>G on the plus strand (T>C on the coding strand, the complement: DRAM2 is on the minus strand). VCF-style: chr1-111126300-A-G. GRCh37 (hg19) VCF-style: chr1-111668922-A-G.
Other names: c.132-6T>C (NM_001349885.2, NM_178454.6, NM_001349882.2 and 1 more transcripts); c.-119-6T>C (NM_001349889.2, NM_001349890.2, NM_001349892.2 and 1 more transcripts); c.-27-6T>C (NM_001349887.2, NM_001349886.2, NM_001349888.2); c.-287-6T>C (NM_001349891.2).
Identifiers: ClinVar variation 3544429 (VCV003544429.1).